The following is an entry in ClinVar:

NM_002473.6(MYH9):c.4199G>T (p.Arg1400Leu)

Gene: MYH9 (myosin heavy chain 9; minus strand). Cytogenetic location: 22q12.3.
Variant type: single nucleotide variant.
Coding change: c.4199G>T on transcript NM_002473.6 (MANE Select); coding-DNA position 4199, G replaced by T.
Protein change: p.Arg1400Leu; replaces arginine 1400 with leucine.
Molecular consequence: missense variant.
Genome position (GRCh38, 1-based): chr22:36,292,131, C>A on the plus strand (G>T on the coding strand, the complement: MYH9 is on the minus strand). VCF-style: chr22-36292131-C-A. GRCh37 (hg19) VCF-style: chr22-36688177-C-A.
Other names: short protein forms R1400L.
Identifiers: ClinVar variation 1707902 (VCV001707902.2), dbSNP rs771591274, ClinGen allele CA10209434.

ClinVar aggregate classification (germline): Uncertain significance (1 of 4 stars; one submission).

Allele frequency attached by ClinVar (database versions not stated): TOPMed 0.00001.
gnomAD v4.1: 4 of 1,614,070 alleles (0.00025%); highest among the groups gnomAD compares: African/African-American, 0.004%; no homozygotes.

Submission:

GeneDx
Classification: Uncertain significance. Last evaluated: 2022-03-31. Review status: criteria provided, single submitter. Criteria: GeneDx Variant Classification Process June 2021. Collection method: clinical testing. Allele origin: germline. Affected: yes.
Comment: Not observed at significant frequency in large population cohorts (gnomAD); In silico analysis supports that this missense variant has a deleterious effect on protein structure/function; Has not been previously published as pathogenic or benign to our knowledge